The following is an entry in ClinVar:

Conditions:
Breast-ovarian cancer, familial, susceptibility to, 1 (BROVCA1). Also called: BRCA1 Hereditary Breast and Ovarian Cancer; OVARIAN CANCER, SUSCEPTIBILITY TO. Identifiers: Orphanet 145, MedGen C2676676, MONDO:0011450, OMIM 604370. Disease mechanism: loss of function.

Submission:

Brotman Baty Institute, University of Washington
No classification provided (evidence only). Condition: Breast-ovarian cancer, familial 1. Review status: no classification provided. Collection method: in vitro. Allele origin: not applicable. Functional consequence: functionally_normal.
ClinVar note: "not provided" was previously submitted as the classification for the variant. However, the classification appeared to be based only on an observation of functional data so it was converted to no classification on 2025-07-30.

NM_007294.4(BRCA1):c.5074+8A>C

Gene: BRCA1 (BRCA1 DNA repair associated; minus strand). Cytogenetic location: 17q21.31.
Variant type: single nucleotide variant.
Coding change: c.5074+8A>C on transcript NM_007294.4 (MANE Select); 8 bases into the intron after coding-DNA position 5074, A replaced by C.
Molecular consequence: intron variant.
Genome position (GRCh38, 1-based): chr17:43,067,600, T>G on the plus strand (A>C on the coding strand, the complement: BRCA1 is on the minus strand). VCF-style: chr17-43067600-T-G. GRCh37 (hg19) VCF-style: chr17-41219617-T-G.
Other names: c.1621+8A>C (NM_001408458.1, NM_001408461.1, NM_001408464.1 and 7 more transcripts); c.4183+8A>C (NM_001407967.1); c.4693+8A>C (NM_001407959.1); c.4807+8A>C (NM_001407931.1, NM_001407932.1, NM_001407928.1 and 4 more transcripts); c.4930+8A>C (NM_001407747.1, NM_001407745.1, NM_001407737.1 and 21 more transcripts); c.4690+8A>C (NM_001407962.1, NM_001407960.1); c.1261+8A>C (NM_001408512.1); c.1384+8A>C (NM_001408510.1); and 71 more.
Identifiers: ClinVar variation 868602 (VCV000868602.3), dbSNP rs2052153856, ClinGen allele CA916080147.